The following is an entry in ClinVar:

ClinVar aggregate classification (germline): Uncertain significance. Review status: criteria provided, multiple submitters, no conflicts (2 of 4 stars). 2 submissions from 2 submitters: Uncertain significance (2). Last evaluated 2024-04-28.

Conditions:
Diamond-Blackfan anemia 5 (DBA5). Also called: RPL35A-Related Diamond-Blackfan Anemia. Identifiers: Orphanet 124, MedGen C2675859, MONDO:0012925, OMIM 612528.

Allele frequency attached by ClinVar (database versions not stated): gnomAD exomes below 0.00001.
gnomAD v4.1: 1 of 1,613,892 alleles (0.000062%); highest among the groups gnomAD compares: Non-Finnish European, 0.000085%; no homozygotes.

Submissions (2):

Fulgent Genetics
Classification: Uncertain significance for Diamond-Blackfan anemia 5. Last evaluated: 2024-04-28. Review status: criteria provided, single submitter. Criteria: ACMG Guidelines, 2015. Collection method: clinical testing. Allele origin: germline.

Labcorp Genetics (formerly Invitae), Labcorp
Classification: Uncertain significance for Diamond-Blackfan anemia 5. Last evaluated: 2023-06-05. Review status: criteria provided, single submitter. Criteria: Invitae Variant Classification Sherloc (09022015). Collection method: clinical testing. Allele origin: germline.
Comment: In summary, the available evidence is currently insufficient to determine the role of this variant in disease. Therefore, it has been classified as a Variant of Uncertain Significance. An algorithm developed to predict the effect of missense changes on protein structure and function (PolyPhen-2) suggests that this variant is likely to be disruptive. This variant has not been reported in the literature in individuals affected with RPL35A-related conditions. This variant is not present in population databases (gnomAD no frequency). This sequence change replaces isoleucine, which is neutral and non-polar, with threonine, which is neutral and polar, at codon 70 of the RPL35A protein (p.Ile70Thr).

NM_000996.4(RPL35A):c.209T>C (p.Ile70Thr)

Genes: DRC9 (dynein regulatory complex subunit 9; minus strand), RPL35A (ribosomal protein L35a; plus strand). Cytogenetic location: 3q29.
Variant type: single nucleotide variant.
Coding change: c.209T>C on transcript NM_000996.4 (MANE Select); coding-DNA position 209, T replaced by C.
Protein change: p.Ile70Thr; replaces isoleucine 70 with threonine.
Molecular consequence: missense variant. On other transcripts: intron variant (3).
Genome position (GRCh38, 1-based): chr3:197,954,047, T>C. VCF-style: chr3-197954047-T-C. GRCh37 (hg19) VCF-style: chr3-197680918-T-C.
Other names: c.209T>C, p.Ile70Thr (NM_001316311.2); c.-50+5482A>G (NM_001323028.2); c.-60+5482A>G (NM_032263.5); c.-375+5482A>G (NM_001323029.2); short protein forms I70T.
Identifiers: ClinVar variation 2955680 (VCV002955680.4), dbSNP rs2530431327, ClinGen allele CA355884575.